The following is an entry in ClinVar:

NM_002103.5(GYS1):c.1615G>T (p.Glu539Ter)

Genes: GYS1 (glycogen synthase 1; minus strand), LOC119369037 (CRISPRi-FlowFISH-validated FTL regulatory element 4; plus strand). Cytogenetic location: 19q13.33.
Variant type: single nucleotide variant.
Coding change: c.1615G>T on transcript NM_002103.5 (MANE Select); coding-DNA position 1615, G replaced by T.
Protein change: p.Glu539Ter; replaces glutamic acid 539 with a stop codon.
Molecular consequence: nonsense. On other transcripts: non-coding transcript variant (1).
Genome position (GRCh38, 1-based): chr19:48,970,958, C>A on the plus strand (G>T on the coding strand, the complement: GYS1 is on the minus strand). VCF-style: chr19-48970958-C-A. GRCh37 (hg19) VCF-style: chr19-49474215-C-A.
Other names: c.1423G>T, p.Glu475Ter (NM_001161587.2); short protein forms E539*, E475*.
Identifiers: ClinVar variation 570876 (VCV000570876.41), dbSNP rs561646250, ClinGen allele CA9562892.
Genomic context (GRCh38, chr19:48,970,958, plus strand): 5'-TCCAGAATCCTCAGGGGCCTGGGCGCTGACCGTAAGCTGAGGGGTCTGCGATGTGTTCCT[C>A]CATGAAGCAGCCGAAGCCGGAGAGATTGGTGGAGATACTGGGGATTCCCATAACCGTGCA-3'

ClinVar aggregate classification (germline): Pathogenic/Likely pathogenic. Review status: criteria provided, multiple submitters, no conflicts (2 of 4 stars). 2 submissions from 2 submitters: Pathogenic (1); Likely pathogenic (1). Last evaluated 2025-11-15.

Conditions:
Glycogen storage disease due to muscle and heart glycogen synthase deficiency. Also called: GSD 0b; MUSCLE GLYCOGEN SYNTHASE DEFICIENCY. Identifiers: Orphanet 137625, MedGen C1969054, MONDO:0012693, OMIM 611556.

Allele frequency attached by ClinVar (database versions not stated): TOPMed 0.00001.
gnomAD v4.1: 16 of 1,613,842 alleles (0.00099%); highest among the groups gnomAD compares: Non-Finnish European, 0.0013%; no homozygotes.

Submissions (2):

Labcorp Genetics (formerly Invitae), Labcorp
Classification: Pathogenic for Glycogen storage disease due to muscle and heart glycogen synthase deficiency. Last evaluated: 2025-11-15. Review status: criteria provided, single submitter. Criteria: Invitae Variant Classification Sherloc (09022015). Collection method: clinical testing. Allele origin: germline.
Comment: This sequence change creates a premature translational stop signal (p.Glu539*) in the GYS1 gene. It is expected to result in an absent or disrupted protein product. Loss-of-function variants in GYS1 are known to be pathogenic (PMID: 17928598, 19699667). This variant is present in population databases (rs561646250, gnomAD 0.0009%). This variant has not been reported in the literature in individuals affected with GYS1-related conditions. ClinVar contains an entry for this variant (Variation ID: 570876). Algorithms developed to predict the effect of sequence changes on RNA splicing suggest that this variant may disrupt the consensus splice site. For these reasons, this variant has been classified as Pathogenic.

CeGaT Center for Human Genetics Tuebingen
Classification: Likely pathogenic. Last evaluated: 2021-06-01. Review status: criteria provided, single submitter. Criteria: CeGaT Center For Human Genetics Tuebingen Variant Classification Criteria Version 2. Collection method: clinical testing. Allele origin: germline. Affected: yes. Observed: 1 variant allele.

Literature cited by the submitters: PubMed 17928598 (cited by Labcorp Genetics (formerly Invitae), Labcorp); PubMed 19699667 (cited by Labcorp Genetics (formerly Invitae), Labcorp).